The following is an entry in ClinVar:

ClinVar aggregate classification (germline): Uncertain significance. Review status: criteria provided, multiple submitters, no conflicts (2 of 4 stars). 2 submissions from 2 submitters: Uncertain significance (2). Last evaluated 2024-10-17.

Conditions:
Retinitis pigmentosa 88. Identifiers: MedGen C5394208, MONDO:0032940, OMIM 618826.

gnomAD v4.1: 1 of 1,612,618 alleles (0.000062%); highest among the groups gnomAD compares: Non-Finnish European, 0.000085%; no homozygotes.

Submissions (2):

Blueprint Genetics
Classification: Uncertain significance. Last evaluated: 2024-10-17. Review status: criteria provided, single submitter. Criteria: ACMG Guidelines, 2015. Collection method: clinical testing. Allele origin: germline.

Centre for Mendelian Genomics, University Medical Centre Ljubljana
Classification: Uncertain significance for Retinitis pigmentosa 88. Last evaluated: 2019-08-19. Review status: criteria provided, single submitter. Criteria: ACMG Guidelines, 2015. Collection method: clinical testing. Allele origin: unknown. Affected: yes.
Comment: This variant was classified as: Uncertain significance. The available evidence on this variant's pathogenicity is insufficient or conflicting. The following ACMG criteria were applied in classifying this variant: PM2.

NM_178857.6(RP1L1):c.5929G>C (p.Val1977Leu)

Gene: RP1L1 (RP1 like 1). Cytogenetic location: 8p23.1.
Variant type: single nucleotide variant.
Coding change: c.5929G>C on transcript NM_178857.6 (MANE Select); coding-DNA position 5929, G replaced by C.
Protein change: p.Val1977Leu; replaces valine 1977 with leucine.
Molecular consequence: missense variant.
Genome position (GRCh38, 1-based): chr8:10,608,169, C>G on the plus strand (G>C on the coding strand, the complement: RP1L1 is on the minus strand). VCF-style: chr8-10608169-C-G. GRCh37 (hg19) VCF-style: chr8-10465679-C-G.
Other names: short protein forms V1977L.
Identifiers: ClinVar variation 931157 (VCV000931157.4), dbSNP rs534151176, ClinGen allele CA370279963.